The following is an entry in ClinVar:

NM_000540.3(RYR1):c.3947C>T (p.Pro1316Leu)

Gene: RYR1 (ryanodine receptor 1; plus strand). Cytogenetic location: 19q13.2.
Variant type: single nucleotide variant.
Coding change: c.3947C>T on transcript NM_000540.3 (MANE Select); coding-DNA position 3947, C replaced by T.
Protein change: p.Pro1316Leu; replaces proline 1316 with leucine.
Molecular consequence: missense variant.
Genome position (GRCh38, 1-based): chr19:38,473,558, C>T. VCF-style: chr19-38473558-C-T. GRCh37 (hg19) VCF-style: chr19-38964198-C-T.
Other names: c.3947C>T, p.Pro1316Leu (NM_001042723.2); short protein forms P1316L.
Identifiers: ClinVar variation 3361427 (VCV003361427.3).

ClinVar aggregate classification (germline): Uncertain significance. Review status: criteria provided, multiple submitters, no conflicts (2 of 4 stars). 2 submissions from 2 submitters: Uncertain significance (2). Last evaluated 2025-01-20.

Conditions:
RYR1-related disorder. Also called: RYR1-related condition; RYR1-related disorders. Identifiers: MedGen CN239331.

gnomAD v4.1: 1 of 1,600,812 alleles (0.000062%); highest among the groups gnomAD compares: African/African-American, 0.0013%; no homozygotes.

Submissions (2):

Labcorp Genetics (formerly Invitae), Labcorp
Classification: Uncertain significance for RYR1-related disorder. Last evaluated: 2025-01-20. Review status: criteria provided, single submitter. Criteria: Invitae Variant Classification Sherloc (09022015). Collection method: clinical testing. Allele origin: germline.
Comment: This sequence change replaces proline, which is neutral and non-polar, with leucine, which is neutral and non-polar, at codon 1316 of the RYR1 protein (p.Pro1316Leu). This variant is not present in population databases (gnomAD no frequency). This variant has not been reported in the literature in individuals affected with RYR1-related conditions. Invitae Evidence Modeling of protein sequence and biophysical properties (such as structural, functional, and spatial information, amino acid conservation, physicochemical variation, residue mobility, and thermodynamic stability) has been performed for this missense variant. However, the output from this modeling did not meet the statistical confidence thresholds required to predict the impact of this variant on RYR1 protein function. In summary, the available evidence is currently insufficient to determine the role of this variant in disease. Therefore, it has been classified as a Variant of Uncertain Significance.

GeneDx
Classification: Uncertain significance. Last evaluated: 2023-07-19. Review status: criteria provided, single submitter. Criteria: GeneDx Variant Classification Process June 2021. Collection method: clinical testing. Allele origin: germline. Affected: yes.
Comment: Not observed at significant frequency in large population cohorts (gnomAD); In silico analysis supports that this missense variant does not alter protein structure/function; Has not been previously published as pathogenic or benign to our knowledge